The following is an entry in ClinVar:

NM_000784.4(CYP27A1):c.1444G>T (p.Ala482Ser)

Gene: CYP27A1 (cytochrome P450 family 27 subfamily A member 1; plus strand). Cytogenetic location: 2q35.
Variant type: single nucleotide variant.
Coding change: c.1444G>T on transcript NM_000784.4 (MANE Select); coding-DNA position 1444, G replaced by T.
Protein change: p.Ala482Ser; replaces alanine 482 with serine.
Molecular consequence: missense variant.
Genome position (GRCh38, 1-based): chr2:218,814,725, G>T. VCF-style: chr2-218814725-G-T. GRCh37 (hg19) VCF-style: chr2-219679448-G-T.
Other names: short protein forms A482S.
Identifiers: ClinVar variation 2125431 (VCV002125431.4), dbSNP rs1424528113, ClinGen allele CA350595346.
Genomic context (GRCh38, chr2:218,814,725, plus strand): 5'-CACCCATTTGGCTCTGTGCCCTTTGGCTATGGGGTCCGGGCCTGCCTGGGCCGCAGGATT[G>T]CAGAGCTGGAGATGCAGCTACTCCTCGCAAGGGTGAGCTGGGAGAGGCTAGTAGGGTGTG-3'
Protein context (NP_000775.1, residues 472-492): GVRACLGRRI[Ala482Ser]ELEMQLLLAR

ClinVar aggregate classification (germline): Uncertain significance (1 of 4 stars; one submission).

Conditions:
Cholestanol storage disease (CTX). Also called: CEREBRAL CHOLESTERINOSIS; Cerebrotendinous Xanthomatosis; CTX: Cerebrotendinous xanthomatosis. Identifiers: Orphanet 909, MedGen C0238052, MONDO:0008948, OMIM 213700.

Allele frequency attached by ClinVar (database versions not stated): gnomAD 0.00001.
gnomAD v4.1: 1 of 1,614,072 alleles (0.000062%); highest among the groups gnomAD compares: African/African-American, 0.0013%; no homozygotes.

Submission:

Labcorp Genetics (formerly Invitae), Labcorp
Classification: Uncertain significance for Cholestanol storage disease. Last evaluated: 2023-07-12. Review status: criteria provided, single submitter. Criteria: Invitae Variant Classification Sherloc (09022015). Collection method: clinical testing. Allele origin: germline.
Comment: In summary, the available evidence is currently insufficient to determine the role of this variant in disease. Therefore, it has been classified as a Variant of Uncertain Significance. Advanced modeling of protein sequence and biophysical properties (such as structural, functional, and spatial information, amino acid conservation, physicochemical variation, residue mobility, and thermodynamic stability) has been performed at Invitae for this missense variant, however the output from this modeling did not meet the statistical confidence thresholds required to predict the impact of this variant on CYP27A1 protein function. ClinVar contains an entry for this variant (Variation ID: 2125431). This variant has not been reported in the literature in individuals affected with CYP27A1-related conditions. This variant is present in population databases (no rsID available, gnomAD 0.01%). This sequence change replaces alanine, which is neutral and non-polar, with serine, which is neutral and polar, at codon 482 of the CYP27A1 protein (p.Ala482Ser).